The following is an entry in ClinVar:

ClinVar aggregate classification (germline): Uncertain significance. Review status: no assertion criteria provided (0 of 4 stars). 2 submissions from 2 submitters: Uncertain significance (1). 1 of the submissions does not count toward it.

Allele frequency attached by ClinVar (database versions not stated): ESP Exome Variant Server 0.00077; TOPMed 0.00084; 1000 Genomes Project 0.00100; gnomAD exomes 0.00100; 1000 Genomes Project 30x 0.00109; gnomAD 0.00127.

Submissions (2):

ITMI
No classification provided. Condition: AllHighlyPenetrant. Last evaluated: 2013-09-19. Review status: no classification provided. Collection method: reference population. Allele origin: germline. Not counted in ClinVar's aggregate classification.
Comment: Please see associated publication for description of ethnicities

Department of Pathology and Laboratory Medicine, Sinai Health System
Classification: Uncertain significance. Review status: no assertion criteria provided. Collection method: clinical testing. Allele origin: unknown. Affected: yes. Study: The Canadian Open Genetics Repository (COGR).
Comment: The KDR p.Arg57Thr variant was not identified in the literature nor was it identified in LOVD 3.0. The variant was identified in dbSNP (ID: rs139047809), ClinVar (submitted by ITMI with no classification) and Cosmic (FATHM prediction: pathogenic; score=0.98). The variant was also identified in control databases in 349 of 282816 chromosomes (5 homozygous) at a frequency of 0.001234 increasing the likelihood this could be a low frequency benign variant (Genome Aggregation Database Feb 27, 2017). The variant was observed in the following populations: Ashkenazi Jewish in 39 of 10370 chromosomes (freq: 0.003761), South Asian in 111 of 30616 chromosomes (freq: 0.003626), Other in 12 of 7226 chromosomes (freq: 0.001661), European (Finnish) in 32 of 25122 chromosomes (freq: 0.001274), Latino in 39 of 35410 chromosomes (freq: 0.001101), European (non-Finnish) in 115 of 129168 chromosomes (freq: 0.00089) and African in 1 of 24950 chromosomes (freq: 0.00004), but was not observed in the East Asian population. The p.Arg57 residue is conserved in mammals but not in more distantly related organisms, and four out of five computational analyses (PolyPhen-2, SIFT, AlignGVGD, BLOSUM, MutationTaster) suggest that the variant may impact the protein; however, this information is not predictive enough to assume pathogenicity. The variant occurs outside of the splicing consensus sequence and in silico or computational prediction software programs (SpliceSiteFinder, MaxEntScan, NNSPLICE, GeneSplicer) do not predict a difference in splicing. In summary, based on the above information the clinical significance of this variant cannot be determined with certainty at this time. This variant is classified as a variant of uncertain significance.

Literature cited by the submitters: PubMed 24728327 (cited by ITMI).

NM_002253.4(KDR):c.170G>C (p.Arg57Thr)

Gene: KDR (kinase insert domain receptor; minus strand). Cytogenetic location: 4q12.
Variant type: single nucleotide variant.
Coding change: c.170G>C on transcript NM_002253.4 (MANE Select); coding-DNA position 170, G replaced by C.
Protein change: p.Arg57Thr; replaces arginine 57 with threonine.
Molecular consequence: missense variant.
Genome position (GRCh38, 1-based): chr4:55,118,792, C>G on the plus strand (G>C on the coding strand, the complement: KDR is on the minus strand). VCF-style: chr4-55118792-C-G. GRCh37 (hg19) VCF-style: chr4-55984959-C-G.
Other names: short protein forms R57T.
Identifiers: ClinVar variation 134610 (VCV000134610.2), dbSNP rs139047809, ClinGen allele CA160325.